The following is an entry in ClinVar:

NM_001042492.3(NF1):c.2850G>A (p.Gln950=)

Gene: NF1 (neurofibromin 1; plus strand). Cytogenetic location: 17q11.2.
Variant type: single nucleotide variant.
Coding change: c.2850G>A on transcript NM_001042492.3 (MANE Select); coding-DNA position 2850, G replaced by A.
Protein change: p.Gln950=; no amino-acid change (glutamine 950 retained).
Molecular consequence: synonymous variant.
Genome position (GRCh38, 1-based): chr17:31,229,465, G>A. VCF-style: chr17-31229465-G-A. GRCh37 (hg19) VCF-style: chr17-29556483-G-A.
Other names: c.2850G>A, p.Gln950= (NM_000267.4).
Identifiers: ClinVar variation 561684 (VCV000561684.16), dbSNP rs863224446, ClinGen allele CA499229389.

ClinVar aggregate classification (germline): Pathogenic. Review status: criteria provided, multiple submitters, no conflicts (2 of 4 stars). 4 submissions from 4 submitters: Pathogenic (4). Last evaluated 2025-12-21.

Conditions:
Neurofibromatosis, type 1 (NF1). Also called: VON RECKLINGHAUSEN DISEASE; NEUROFIBROMATOSIS, TYPE I, SOMATIC; Peripheral type neurofibromatosis; Neurofibromatosis, type I. Identifiers: Orphanet 636, MedGen C0027831, MONDO:0018975, OMIM 162200. Disease mechanism: loss of function.
Hereditary cancer-predisposing syndrome. Also called: Neoplastic Syndromes, Hereditary; Tumor predisposition; Hereditary Cancer Syndrome; Hereditary neoplastic syndrome. Identifiers: Orphanet 140162, MedGen C0027672, MeSH D009386, MONDO:0015356.
Cardiovascular phenotype. Identifiers: MedGen CN230736.

Submissions (4):

Labcorp Genetics (formerly Invitae), Labcorp
Classification: Pathogenic for Neurofibromatosis, type 1. Last evaluated: 2025-12-21. Review status: criteria provided, single submitter. Criteria: Invitae Variant Classification Sherloc (09022015). Collection method: clinical testing. Allele origin: germline.
Comment: This sequence change affects codon 950 of the NF1 mRNA. It is a 'silent' change, meaning that it does not change the encoded amino acid sequence of the NF1 protein. RNA analysis indicates that this variant induces altered splicing and may result in an absent or altered protein product. This variant is not present in population databases (gnomAD no frequency). This variant has been observed in individual(s) with clinical features of neurofibromatosis type I (PMID: 21520333, 26740943, 31717729). In at least one individual the variant was observed to be de novo. Invitae Evidence Modeling of clinical and family history, age, sex, and reported ancestry of multiple individuals with this NF1 variant has been performed. This variant is expected to be pathogenic with a positive predictive value of at least 99%. This is a validated machine learning model that incorporates the clinical features of 1,785,918 individuals referred to our laboratory for NF1 testing. ClinVar contains an entry for this variant (Variation ID: 561684). Variants that disrupt the consensus splice site are a relatively common cause of aberrant splicing (PMID: 17576681, 9536098). Studies have shown that this variant results in r.2618_2850del, and produces a non-functional protein and/or introduces a premature termination codon (PMID: 26740943; internal data). For these reasons, this variant has been classified as Pathogenic.

Ambry Genetics
Classification: Pathogenic for Cardiovascular phenotype; Hereditary cancer-predisposing syndrome. Last evaluated: 2025-12-04. Review status: criteria provided, single submitter. Criteria: Ambry Variant Classification Scheme 2023. Collection method: clinical testing. Allele origin: germline.
Comment: The c.2850G>A pathogenic mutation (also known as p.Q950Q), located in coding exon 21 of the NF1 gene, results from a G to A substitution at nucleotide position 2850. This nucleotide substitution does not change the glutamine at codon 950. However, this change occurs in the last base pair of coding exon 21, which makes it likely to have some effect on normal mRNA splicing. This mutation has been detected in multiple individuals with a clinical or suspected diagnosis of neurofibromatosis type 1 (NF1); it occurred de novo in one of the individuals (Bianchessi D et al. Mol Genet Genomic Med, 2015 Nov;3:513-25; Melloni G et al. Cancers (Basel), 2019 11;11:; Yao R et al. Genes (Basel), 2019 10;10:; Ambry internal data). In addition, this alteration results in the deletion of 233 nucleotides, leading to a frameshift in the NF1 protein (Bianchessi D et al. Mol Genet Genomic Med, 2015 Nov;3:513-25; Ambry internal data). This variant is considered to be rare based on population cohorts in the Genome Aggregation Database (gnomAD). This nucleotide position is highly conserved in available vertebrate species. Based on the supporting evidence, this variant is interpreted as a disease-causing mutation.

GeneDx
Classification: Pathogenic. Last evaluated: 2024-11-01. Review status: criteria provided, single submitter. Criteria: GeneDx Variant Classification Process June 2021. Collection method: clinical testing. Allele origin: germline. Affected: yes.
Comment: Exonic splice site variant demonstrated to result in protein truncation or nonsense mediated decay in a gene for which loss-of-function is a known mechanism of disease (PMID: 26740943); Not observed at significant frequency in large population cohorts (gnomAD); This variant is associated with the following publications: (PMID: 31717729, 31766501, 26740943)

Genome-Nilou Lab
Classification: Pathogenic for Neurofibromatosis, type 1. Last evaluated: 2022-03-15. Review status: criteria provided, single submitter. Criteria: ACMG Guidelines, 2015. Collection method: clinical testing. Allele origin: germline. Affected: no.

Literature cited by the submitters: PubMed 21520333 (cited by Labcorp Genetics (formerly Invitae), Labcorp); PubMed 26740943 (cited by Labcorp Genetics (formerly Invitae), Labcorp and Ambry Genetics); PubMed 31717729 (cited by Labcorp Genetics (formerly Invitae), Labcorp and Ambry Genetics); PubMed 17576681 (cited by Labcorp Genetics (formerly Invitae), Labcorp); PubMed 9536098 (cited by Labcorp Genetics (formerly Invitae), Labcorp); PubMed 31766501 (cited by Ambry Genetics).